The following is an entry in ClinVar:

ClinVar aggregate classification (germline): Uncertain significance. Review status: criteria provided, multiple submitters, no conflicts (2 of 4 stars). 2 submissions from 2 submitters: Uncertain significance (2). Last evaluated 2025-01-19.

Conditions:
Inborn genetic diseases. Identifiers: MedGen C0950123, MeSH D030342.
Combined immunodeficiency due to ZAP70 deficiency (IMD48). Also called: Immunodeficiency 48; ZAP70 Deficiency. Identifiers: Orphanet 911, MedGen C2931299, MONDO:0010023, OMIM 269840.

Allele frequency attached by ClinVar (database versions not stated): gnomAD exomes below 0.00001.
gnomAD v4.1: 3 of 1,614,140 alleles (0.00019%); highest among the groups gnomAD compares: Non-Finnish European, 0.00025%; no homozygotes.

Submissions (2):

Ambry Genetics
Classification: Uncertain significance for Inborn genetic diseases. Last evaluated: 2025-01-19. Review status: criteria provided, single submitter. Criteria: Ambry Variant Classification Scheme 2023. Collection method: clinical testing. Allele origin: germline.

Labcorp Genetics (formerly Invitae), Labcorp
Classification: Uncertain significance for Combined immunodeficiency due to ZAP70 deficiency. Last evaluated: 2018-10-29. Review status: criteria provided, single submitter. Criteria: Invitae Variant Classification Sherloc (09022015). Collection method: clinical testing. Allele origin: germline.
Comment: In summary, the available evidence is currently insufficient to determine the role of this variant in disease. Therefore, it has been classified as a Variant of Uncertain Significance. Algorithms developed to predict the effect of missense changes on protein structure and function are either unavailable or do not agree on the potential impact of this missense change (SIFT: "Deleterious"; PolyPhen-2: "Benign"; Align-GVGD: "Class C0"). This variant has not been reported in the literature in individuals with ZAP70-related disease. This variant is not present in population databases (ExAC no frequency). This sequence change replaces threonine with methionine at codon 380 of the ZAP70 protein (p.Thr380Met). The threonine residue is weakly conserved and there is a moderate physicochemical difference between threonine and methionine.

NM_001079.4(ZAP70):c.1139C>T (p.Thr380Met)

Gene: ZAP70 (zeta chain of T cell receptor associated protein kinase 70; plus strand). Cytogenetic location: 2q11.2.
Variant type: single nucleotide variant.
Coding change: c.1139C>T on transcript NM_001079.4 (MANE Select); coding-DNA position 1139, C replaced by T.
Protein change: p.Thr380Met; replaces threonine 380 with methionine.
Molecular consequence: missense variant.
Genome position (GRCh38, 1-based): chr2:97,735,306, C>T. VCF-style: chr2-97735306-C-T. GRCh37 (hg19) VCF-style: chr2-98351769-C-T.
Other names: c.1139C>T, p.Thr380Met (NM_001378594.1); c.218C>T, p.Thr73Met (NM_207519.2); short protein forms T73M, T380M.
Identifiers: ClinVar variation 654054 (VCV000654054.7), dbSNP rs1573284696, ClinGen allele CA347801545.
Genomic context (GRCh38, chr2:97,735,306, plus strand): 5'-GCAGGAAGCAGATCGACGTGGCCATCAAGGTGCTGAAGCAGGGCACGGAGAAGGCAGACA[C>T]GGAAGAGATGATGCGCGAGGCGCAGATCATGCACCAGCTGGACAACCCCTACATCGTGCG-3'
Protein context (NP_001070.2, residues 370-390): VLKQGTEKAD[Thr380Met]EEMMREAQIM